The following is an entry in ClinVar:

ClinVar aggregate classification (germline): Uncertain significance (1 of 4 stars; one submission).

gnomAD v4.1: 1 of 1,610,096 alleles (0.000062%); no homozygotes.

Submission:

Ambry Genetics
Classification: Uncertain significance. Last evaluated: 2024-06-27. Review status: criteria provided, single submitter. Criteria: Ambry Variant Classification Scheme 2023. Collection method: clinical testing. Allele origin: germline.
Comment: The p.P1786L variant (also known as c.5357C>T), located in coding exon 5 of the ALPK2 gene, results from a C to T substitution at nucleotide position 5357. The proline at codon 1786 is replaced by leucine, an amino acid with similar properties. This amino acid position is conserved. In addition, the in silico prediction for this alteration is inconclusive. Based on the available evidence, the clinical significance of this variant remains unclear.

NM_052947.4(ALPK2):c.5357C>T (p.Pro1786Leu)

Gene: ALPK2 (alpha kinase 2; minus strand). Cytogenetic location: 18q21.31.
Variant type: single nucleotide variant.
Coding change: c.5357C>T on transcript NM_052947.4 (MANE Select); coding-DNA position 5357, C replaced by T.
Protein change: p.Pro1786Leu; replaces proline 1786 with leucine.
Molecular consequence: missense variant.
Genome position (GRCh38, 1-based): chr18:58,529,235, G>A on the plus strand (C>T on the coding strand, the complement: ALPK2 is on the minus strand). VCF-style: chr18-58529235-G-A. GRCh37 (hg19) VCF-style: chr18-56196467-G-A.
Other names: short protein forms P1786L.
Identifiers: ClinVar variation 3530001 (VCV003530001.1).